The following is an entry in ClinVar:

NM_001385012.1(NBEA):c.1622T>C (p.Met541Thr)

Gene: NBEA (neurobeachin; plus strand). Cytogenetic location: 13q13.3.
Variant type: single nucleotide variant.
Coding change: c.1622T>C on transcript NM_001385012.1 (MANE Select); coding-DNA position 1622, T replaced by C.
Protein change: p.Met541Thr; replaces methionine 541 with threonine.
Molecular consequence: missense variant.
Genome position (GRCh38, 1-based): chr13:35,098,347, T>C. VCF-style: chr13-35098347-T-C. GRCh37 (hg19) VCF-style: chr13-35672484-T-C.
Other names: c.1622T>C, p.Met541Thr (NM_001379245.1, NM_015678.5); short protein forms M541T.
Identifiers: ClinVar variation 2662146 (VCV002662146.1), dbSNP rs2502929280, ClinGen allele CA387974599.
Genomic context (GRCh38, chr13:35,098,347, plus strand): 5'-TTACATGCAGTGCTACTCTGTTGGCATTCCTGGTTGAACTACTTAAAAGTTCAGTAGCCA[T>C]GCAAGAACAGATGCTGGGTGGAAAAGGCTTTTTAGTCATTGGCTACTTACTTGAAAAGGT-3'
Protein context (NP_001371941.1, residues 531-551): LVELLKSSVA[Met541Thr]QEQMLGGKGF

ClinVar aggregate classification (germline): Uncertain significance (1 of 4 stars; one submission).

Submission:

GeneDx
Classification: Uncertain significance. Last evaluated: 2023-04-18. Review status: criteria provided, single submitter. Criteria: GeneDx Variant Classification Process June 2021. Collection method: clinical testing. Allele origin: germline. Affected: yes.
Comment: Not observed at significant frequency in large population cohorts (gnomAD); In silico analysis supports that this missense variant has a deleterious effect on protein structure/function; Has not been previously published as pathogenic or benign to our knowledge